The following is an entry in ClinVar:

NM_133497.4(KCNV2):c.523G>T (p.Gly175Trp)

Gene: KCNV2 (potassium voltage-gated channel modifier subfamily V member 2; plus strand). Cytogenetic location: 9p24.2.
Variant type: single nucleotide variant.
Coding change: c.523G>T on transcript NM_133497.4 (MANE Select); coding-DNA position 523, G replaced by T.
Protein change: p.Gly175Trp; replaces glycine 175 with tryptophan.
Molecular consequence: missense variant.
Genome position (GRCh38, 1-based): chr9:2,718,262, G>T. VCF-style: chr9-2718262-G-T. GRCh37 (hg19) VCF-style: chr9-2718262-G-T.
Other names: short protein forms G175W.
Identifiers: ClinVar variation 2096885 (VCV002096885.4), dbSNP rs766187569, ClinGen allele CA372798279.
Genomic context (GRCh38, chr9:2,718,262, plus strand): 5'-CCGGCCGTCTTCCAGCTGGTCTACAATTTCTACCTGTCCGGGGTGCTGCTGGTGCTCGAC[G>T]GGCTGTGTCCGCGCCGCTTCCTGGAGGAGCTGGGCTACTGGGGCGTGCGGCTCAAGTACA-3'
Protein context (NP_598004.1, residues 165-185): YLSGVLLVLD[Gly175Trp]LCPRRFLEEL

ClinVar aggregate classification (germline): Uncertain significance (1 of 4 stars; one submission).

Submission:

Labcorp Genetics (formerly Invitae), Labcorp
Classification: Uncertain significance. Last evaluated: 2025-01-23. Review status: criteria provided, single submitter. Criteria: Invitae Variant Classification Sherloc (09022015). Collection method: clinical testing. Allele origin: germline.
Comment: This sequence change replaces glycine, which is neutral and non-polar, with tryptophan, which is neutral and slightly polar, at codon 175 of the KCNV2 protein (p.Gly175Trp). This variant is not present in population databases (gnomAD no frequency). This variant has not been reported in the literature in individuals affected with KCNV2-related conditions. ClinVar contains an entry for this variant (Variation ID: 2096885). Invitae Evidence Modeling of protein sequence and biophysical properties (such as structural, functional, and spatial information, amino acid conservation, physicochemical variation, residue mobility, and thermodynamic stability) indicates that this missense variant is not expected to disrupt KCNV2 protein function with a negative predictive value of 95%. In summary, the available evidence is currently insufficient to determine the role of this variant in disease. Therefore, it has been classified as a Variant of Uncertain Significance.